The following is an entry in ClinVar:

NC_012920.1(MT-CO2):m.7904A>G

Gene: MT-CO2 (mitochondrially encoded cytochrome c oxidase II; plus strand).
Variant type: single nucleotide variant.
Genome position: chrM-7904-A-G.
Identifiers: ClinVar variation 692794 (VCV000692794.1), dbSNP rs1603221201, ClinGen allele CA414794174.

ClinVar aggregate classification (germline): Uncertain significance (1 of 4 stars; one submission).

Conditions:
Leigh syndrome (NULS). Also called: Leigh's necrotizing encephalopathy; Leigh's disease; Leigh Syndrome (mtDNA deletion); Leigh Disease; Subacute necrotizing encephalopathy; Necrotizing encephalopathy infantile subacute of Leigh. Identifiers: Orphanet 506, MedGen C2931891, MONDO:0009723, OMIM 256000.

Submission:

Wong Mito Lab, Molecular and Human Genetics, Baylor College of Medicine
Classification: Uncertain significance for Leigh syndrome. Last evaluated: 2019-10-17. Review status: criteria provided, single submitter. Criteria: Modified ACMG Guidelines (Unpublished). Collection method: clinical testing. Allele origin: germline.
Comment: The NC_012920.1:m.7904A>G (YP_003024029.1:p.Thr107Ala) variant in MTCO2 gene is interpretated to be a Uncertain Significance variant based on the modified ACMG guidelines (unpublished). This variant meets the following evidence codes: BP4